The following is an entry in ClinVar:

NM_004168.4(SDHA):c.1786G>T (p.Asp596Tyr)

Gene: SDHA (succinate dehydrogenase complex flavoprotein subunit A; plus strand). Cytogenetic location: 5p15.33.
Variant type: single nucleotide variant.
Coding change: c.1786G>T on transcript NM_004168.4 (MANE Select); coding-DNA position 1786, G replaced by T.
Protein change: p.Asp596Tyr; replaces aspartic acid 596 with tyrosine.
Molecular consequence: missense variant. On other transcripts: intron variant (1).
Genome position (GRCh38, 1-based): chr5:251,460, G>T. VCF-style: chr5-251460-G-T. GRCh37 (hg19) VCF-style: chr5-251575-G-T.
Other names: c.1642G>T, p.Asp548Tyr (NM_001294332.2); c.1552-2933G>T (NM_001330758.2); short protein forms D548Y, D596Y.
Identifiers: ClinVar variation 1416141 (VCV001416141.11), dbSNP rs371304688, ClinGen allele CA3173358.

ClinVar aggregate classification (germline): Uncertain significance. Review status: criteria provided, multiple submitters, no conflicts (2 of 4 stars). 2 submissions from 2 submitters: Uncertain significance (2). Last evaluated 2024-10-07.

Conditions:
Mitochondrial complex II deficiency, nuclear type 1. Also called: SUCCINATE CoQ REDUCTASE DEFICIENCY. Identifiers: Orphanet 3208, MedGen C5700310, MONDO:0100294, OMIM 252011.
Pheochromocytoma/paraganglioma syndrome 5. Also called: Paragangliomas 5; SDHA-Related Hereditary Paraganglioma-Pheochromocytoma Syndrome. Identifiers: Orphanet 29072, MedGen C3279992, MONDO:0013602, OMIM 614165.
Hereditary cancer-predisposing syndrome. Also called: Tumor predisposition; Hereditary Cancer Syndrome; Hereditary neoplastic syndrome; Neoplastic Syndromes, Hereditary. Identifiers: Orphanet 140162, MedGen C0027672, MeSH D009386, MONDO:0015356.

Allele frequency attached by ClinVar (database versions not stated): ExAC 0.00001; ESP Exome Variant Server 0.00008.
gnomAD v4.1: 1 of 1,613,872 alleles (0.000062%); highest among the groups gnomAD compares: Non-Finnish European, 0.000085%; no homozygotes.

Submissions (2):

Ambry Genetics
Classification: Uncertain significance for Hereditary cancer-predisposing syndrome. Last evaluated: 2024-10-07. Review status: criteria provided, single submitter. Criteria: Ambry Variant Classification Scheme 2023. Collection method: clinical testing. Allele origin: germline.
Comment: The p.D596Y variant (also known as c.1786G>T), located in coding exon 13 of the SDHA gene, results from a G to T substitution at nucleotide position 1786. The aspartic acid at codon 596 is replaced by tyrosine, an amino acid with highly dissimilar properties. This amino acid position is highly conserved in available vertebrate species. In addition, this alteration is predicted to be deleterious by in silico analysis. Since supporting evidence is limited at this time, the clinical significance of this alteration remains unclear.

Labcorp Genetics (formerly Invitae), Labcorp
Classification: Uncertain significance for Pheochromocytoma/paraganglioma syndrome 5; Mitochondrial complex II deficiency, nuclear type 1. Last evaluated: 2021-06-20. Review status: criteria provided, single submitter. Criteria: Invitae Variant Classification Sherloc (09022015). Collection method: clinical testing. Allele origin: germline.
Comment: This variant is present in population databases (rs371304688, ExAC 0.002%). This sequence change replaces aspartic acid with tyrosine at codon 596 of the SDHA protein (p.Asp596Tyr). The aspartic acid residue is highly conserved and there is a large physicochemical difference between aspartic acid and tyrosine. This variant has not been reported in the literature in individuals with SDHA-related conditions. In summary, the available evidence is currently insufficient to determine the role of this variant in disease. Therefore, it has been classified as a Variant of Uncertain Significance. Advanced modeling of protein sequence and biophysical properties (such as structural, functional, and spatial information, amino acid conservation, physicochemical variation, residue mobility, and thermodynamic stability) performed at Invitae indicates that this missense variant is expected to disrupt SDHA protein function.